The following is an entry in ClinVar:

ClinVar aggregate classification (germline): Benign/Likely benign. Review status: criteria provided, multiple submitters, no conflicts (2 of 4 stars). 5 submissions from 5 submitters: Benign (4); Likely benign (1). Last evaluated 2024-11-27.

Conditions:
Primary ciliary dyskinesia. Also called: Ciliary dyskinesia. Identifiers: Orphanet 244, MedGen C0008780, MONDO:0016575, HP:0012265.

Allele frequency attached by ClinVar (database versions not stated): gnomAD exomes 0.27272 and 0.32820; ESP Exome Variant Server 0.00377; 1000 Genomes Project 30x 0.15553; 1000 Genomes Project 0.15775; TOPMed 0.24002; gnomAD 0.24894 and 0.25198; ExAC 0.26876.
gnomAD v4.1: 514,379 of 1,606,362 alleles (32%); highest among the groups gnomAD compares: Non-Finnish European, 36%; 88,552 homozygotes.

Submissions (5):

Blueprint Genetics
Classification: Likely benign. Last evaluated: 2024-11-27. Review status: criteria provided, single submitter. Criteria: ACMG Guidelines, 2015. Collection method: clinical testing. Allele origin: germline.

GeneDx
Classification: Benign. Last evaluated: 2018-11-12. Review status: criteria provided, single submitter. Criteria: GeneDx Variant Classification Process June 2021. Collection method: clinical testing. Allele origin: germline. Affected: yes.

Ambry Genetics
Classification: Benign for Primary ciliary dyskinesia. Last evaluated: 2014-12-10. Review status: criteria provided, single submitter. Criteria: Ambry Variant Classification Scheme 2023. Collection method: clinical testing. Allele origin: germline.

Laboratory for Molecular Medicine, Mass General Brigham Personalized Medicine
Classification: Benign. Last evaluated: 2013-02-21. Review status: criteria provided, single submitter. Criteria: LMM Criteria. Collection method: clinical testing. Allele origin: germline. Observed: 48 variant alleles.
Comment: Ile493Ile in exon 16 of TXNDC3: This variant is not expected to have clinical si gnificance because it does not alter an amino acid residue and is not located wi thin the splice consensus sequence. It has been identified in 0.5% (47/8598) of European American chromosomes from a broad population by the NHLBI Exome Sequenc ing Project (dbSNP rs41276027).

PreventionGenetics, part of Exact Sciences
Classification: Benign. Review status: criteria provided, single submitter. Criteria: ACMG Guidelines, 2015. Collection method: clinical testing. Allele origin: germline.

NM_016616.5(NME8):c.1479A>T (p.Ile493=)

Gene: NME8 (NME/NM23 family member 8; plus strand). Cytogenetic location: 7p14.1.
Variant type: single nucleotide variant.
Coding change: c.1479A>T on transcript NM_016616.5 (MANE Select); coding-DNA position 1479, A replaced by T.
Protein change: p.Ile493=; no amino-acid change (isoleucine 493 retained).
Molecular consequence: synonymous variant.
Genome position (GRCh38, 1-based): chr7:37,894,545, A>T. VCF-style: chr7-37894545-A-T. GRCh37 (hg19) VCF-style: chr7-37934147-A-T.
Identifiers: ClinVar variation 164805 (VCV000164805.11), dbSNP rs41276027, ClinGen allele CA177511.